The following is an entry in ClinVar:

NM_000138.5(FBN1):c.3128A>G (p.Lys1043Arg)

Gene: FBN1 (fibrillin 1; minus strand). Cytogenetic location: 15q21.1.
Variant type: single nucleotide variant.
Coding change: c.3128A>G on transcript NM_000138.5 (MANE Select); coding-DNA position 3128, A replaced by G.
Protein change: p.Lys1043Arg; replaces lysine 1043 with arginine.
Molecular consequence: missense variant.
Genome position (GRCh38, 1-based): chr15:48,488,448, T>C on the plus strand (A>G on the coding strand, the complement: FBN1 is on the minus strand). VCF-style: chr15-48488448-T-C. GRCh37 (hg19) VCF-style: chr15-48780645-T-C.
Other names: short protein forms K1043R.
Identifiers: ClinVar variation 16446 (VCV000016446.7), dbSNP rs137854472, ClinGen allele CA013794.

ClinVar aggregate classification (germline): Conflicting classifications of pathogenicity. Review status: criteria provided, conflicting classifications (1 of 4 stars). 3 submissions from 3 submitters: Uncertain significance (1); Likely benign (1). 1 of the submissions does not count toward it. Last evaluated 2023-06-27.

Conditions:
Familial thoracic aortic aneurysm and aortic dissection (TAAD). Also called: Thoracic aortic aneurysms and dissections. Identifiers: Orphanet 91387, MedGen C4707243, MONDO:0019625.
Marfan syndrome (MFS). Also called: FBN1-Related Marfan Syndrome; Marfan syndrome type 1; Marfan's syndrome; Marfan syndrome, classic; MARFAN SYNDROME, TYPE I. Identifiers: Orphanet 284963, Orphanet 558, MedGen C0024796, MONDO:0007947, OMIM 154700.
Neonatal Marfan syndrome. Identifiers: Orphanet 284979, MedGen C4016054, MONDO:0017309.

Allele frequency attached by ClinVar (database versions not stated): gnomAD exomes 0.00001; ExAC 0.00002.
gnomAD v4.1: 7 of 1,614,200 alleles (0.00043%); highest among the groups gnomAD compares: East Asian, 0.016%; no homozygotes.

Submissions (3):

Labcorp Genetics (formerly Invitae), Labcorp
Classification: Likely benign for Marfan syndrome; Familial thoracic aortic aneurysm and aortic dissection. Last evaluated: 2023-06-27. Review status: criteria provided, single submitter. Criteria: Invitae Variant Classification Sherloc (09022015). Collection method: clinical testing. Allele origin: germline.

Ambry Genetics
Classification: Uncertain significance for Familial thoracic aortic aneurysm and aortic dissection. Last evaluated: 2018-02-19. Review status: criteria provided, single submitter. Criteria: Ambry Variant Classification Scheme 2023. Collection method: clinical testing. Allele origin: germline.
Comment: The p.K1043R variant (also known as c.3128A>G), located in coding exon 25 of the FBN1 gene, results from an A to G substitution at nucleotide position 3128. The lysine at codon 1043 is replaced by arginine, an amino acid with highly similar properties. This amino acid position is not well conserved in available vertebrate species, and arginine is the reference amino acid in other vertebrate species. In addition, the in silico prediction for this alteration is inconclusive. Since supporting evidence is limited at this time, the clinical significance of this alteration remains unclear.

OMIM
Classification: Pathogenic for MARFAN SYNDROME, NEONATAL. Last evaluated: 1997-01-01. Review status: no assertion criteria provided. Collection method: literature only. Allele origin: germline. Not counted in ClinVar's aggregate classification.

Literature cited by the submitters: PubMed 26741492 (cited by Ambry Genetics); PubMed 9101298 (cited by Ambry Genetics and OMIM).